The following is an entry in ClinVar:

NM_004329.3(BMPR1A):c.420TGT[3] (p.Val142_Ile143insVal)

Gene: BMPR1A (bone morphogenetic protein receptor type 1A; plus strand). Cytogenetic location: 10q23.2.
Variant type: Microsatellite.
Coding change: c.420TGT[3] on transcript NM_004329.3 (MANE Select); three copies in a row of the 3-base unit TGT starting at c.420; the reference has two copies in a row; one copy, 3 bases duplicated; also written c.423_425dup.
Protein change: p.Val142_Ile143insVal.
Molecular consequence: inframe insertion. On other transcripts: inframe indel (32).
Genome position (GRCh38, 1-based): chr10:86,899,883-86,899,885, TGT duplicated; duplicating any 3 consecutive bases within chr10:86,899,880-86,899,885 gives the same sequence; the position shown is the placement nearest the transcript's 3' end. VCF-style (leftmost placement, unchanged base first): chr10-86899879-C-CTGT. GRCh37 (hg19) VCF-style: chr10-88659636-C-CTGT.
Other names: c.420_422TGT[3], p.Val142_Ile143insVal (NM_001406559.1, NM_001406560.1, NM_001406561.1 and 23 more transcripts); c.336_338TGT[3], p.Val114_Ile115insVal (NM_001406584.1, NM_001406585.1, NM_001406586.1 and 2 more transcripts); c.423_425dupTGT (NM_004329.2); c.423_425dup (NM_004329.3).
Identifiers: ClinVar variation 1738902 (VCV001738902.4), dbSNP rs2539491440, ClinGen allele CA2580615536.
Genomic context (GRCh38, chr10:86,899,879, plus strand): 5'-GGACAATAGAATGTTGTCGGACCAATTTATGTAACCAGTATTTGCAACCCACACTGCCCC[C>CTGT]TGTTGTCATAGGTAGGTTAGCCGAGAAAAGTCGGAGCATGCTTCTCAAATATCTTCTCTG-3'

ClinVar aggregate classification (germline): Uncertain significance. Review status: criteria provided, multiple submitters, no conflicts (2 of 4 stars). 2 submissions from 2 submitters: Uncertain significance (2). Last evaluated 2024-04-25.

Conditions:
Hereditary cancer-predisposing syndrome. Also called: Hereditary Cancer Syndrome; Hereditary neoplastic syndrome; Neoplastic Syndromes, Hereditary; Tumor predisposition. Identifiers: Orphanet 140162, MedGen C0027672, MeSH D009386, MONDO:0015356.
Polyposis syndrome, hereditary mixed, 2. Identifiers: Orphanet 157794, MedGen C1864730, MONDO:0012405, OMIM 610069.

Submissions (2):

Ambry Genetics
Classification: Uncertain significance for Hereditary cancer-predisposing syndrome. Last evaluated: 2024-04-25. Review status: criteria provided, single submitter. Criteria: Ambry Variant Classification Scheme 2023. Collection method: clinical testing. Allele origin: germline.
Comment: The c.423_425dupTGT variant (also known as p.V142dup), located in coding exon 4 of the BMPR1A gene, results from an in-frame duplication of TGT at nucleotide positions 423 to 425. This results in the duplication of a valine residue between codons 142 and 143. This amino acid position is well conserved in available vertebrate species. In addition, this alteration is predicted to be neutral by in silico analysis (Choi Y et al. PLoS ONE. 2012; 7(10):e46688). Based on the available evidence, the clinical significance of this variant remains unclear.

Baylor Genetics
Classification: Uncertain significance for Polyposis syndrome, hereditary mixed, 2. Last evaluated: 2023-10-10. Review status: criteria provided, single submitter. Criteria: ACMG Guidelines, 2015. Collection method: clinical testing. Allele origin: unknown.